The following is an entry in ClinVar:

ClinVar aggregate classification (germline): Likely benign. Review status: criteria provided, multiple submitters, no conflicts (2 of 4 stars). 3 submissions from 3 submitters: Likely benign (2). 1 of the submissions does not count toward it. Last evaluated 2026-01-22.

Conditions:
CEP135-related disorder. Also called: CEP135-related condition.

Allele frequency attached by ClinVar (database versions not stated): gnomAD exomes 0.00015 and 0.00042; ExAC 0.00056; gnomAD 0.00159 and 0.00167; TOPMed 0.00175; ESP Exome Variant Server 0.00215; 1000 Genomes Project 0.00240; 1000 Genomes Project 30x 0.00250.
gnomAD v4.1: 477 of 1,614,048 alleles (0.03%); highest among the groups gnomAD compares: African/African-American, 0.54%; 4 homozygotes.

Submissions (3):

Labcorp Genetics (formerly Invitae), Labcorp
Classification: Likely benign. Last evaluated: 2026-01-22. Review status: criteria provided, single submitter. Criteria: Invitae Variant Classification Sherloc (09022015). Collection method: clinical testing. Allele origin: germline.

Genetic Services Laboratory, University of Chicago
Classification: Likely benign. Last evaluated: 2021-07-26. Review status: criteria provided, single submitter. Criteria: ACMG Guidelines, 2015. Collection method: clinical testing. Allele origin: germline. Affected: no.

PreventionGenetics, part of Exact Sciences
Classification: Likely benign for CEP135-related condition. Last evaluated: 2019-08-28. Review status: no assertion criteria provided. Collection method: clinical testing. Allele origin: germline. Not counted in ClinVar's aggregate classification.
Comment: This variant is classified as likely benign based on ACMG/AMP sequence variant interpretation guidelines (Richards et al. 2015 PMID: 25741868, with internal and published modifications).

NM_025009.5(CEP135):c.2398G>C (p.Asp800His)

Gene: CEP135 (centrosomal protein 135; plus strand). Cytogenetic location: 4q12.
Variant type: single nucleotide variant.
Coding change: c.2398G>C on transcript NM_025009.5 (MANE Select); coding-DNA position 2398, G replaced by C.
Protein change: p.Asp800His; replaces aspartic acid 800 with histidine.
Molecular consequence: missense variant.
Genome position (GRCh38, 1-based): chr4:56,009,796, G>C. VCF-style: chr4-56009796-G-C. GRCh37 (hg19) VCF-style: chr4-56875962-G-C.
Other names: short protein forms D800H.
Identifiers: ClinVar variation 731091 (VCV000731091.14), dbSNP rs143195447, ClinGen allele CA2928149.